The following is an entry in ClinVar:

ClinVar aggregate classification (germline): Conflicting classifications of pathogenicity. Review status: criteria provided, conflicting classifications (1 of 4 stars). 4 submissions from 4 submitters: Uncertain significance (1); Benign (1); Likely benign (2). Last evaluated 2026-09-01.

Allele frequency attached by ClinVar (database versions not stated): TOPMed 0.00087; 1000 Genomes Project 30x 0.00094; 1000 Genomes Project 0.00100; ESP Exome Variant Server 0.00115; gnomAD exomes 0.00019; ExAC 0.00026; gnomAD 0.00076 and 0.00081.
gnomAD v4.1: 255 of 1,614,116 alleles (0.016%); highest among the groups gnomAD compares: African/African-American, 0.31%; no homozygotes.

Submissions (4):

CeGaT Center for Human Genetics Tuebingen
Classification: Uncertain significance. Last evaluated: 2026-09-01. Review status: criteria provided, single submitter. Criteria: CeGaT Center For Human Genetics Tuebingen Variant Classification Criteria Version 2. Collection method: clinical testing. Allele origin: germline. Affected: yes. Observed: 1 variant allele.
Comment: AARS2: PM2

Labcorp Genetics (formerly Invitae), Labcorp
Classification: Benign. Last evaluated: 2025-10-19. Review status: criteria provided, single submitter. Criteria: Invitae Variant Classification Sherloc (09022015). Collection method: clinical testing. Allele origin: germline.

Blueprint Genetics
Classification: Likely benign. Last evaluated: 2024-10-09. Review status: criteria provided, single submitter. Criteria: ACMG Guidelines, 2015. Collection method: clinical testing. Allele origin: germline.

GeneDx
Classification: Likely benign. Last evaluated: 2020-11-02. Review status: criteria provided, single submitter. Criteria: GeneDx Variant Classification Process June 2021. Collection method: clinical testing. Allele origin: germline. Affected: yes.

NM_020745.4(AARS2):c.1173A>G (p.Gln391=)

Gene: AARS2 (alanyl-tRNA synthetase 2, mitochondrial; minus strand). Cytogenetic location: 6p21.1.
Variant type: single nucleotide variant.
Coding change: c.1173A>G on transcript NM_020745.4 (MANE Select); coding-DNA position 1173, A replaced by G.
Protein change: p.Gln391=; no amino-acid change (glutamine 391 retained).
Molecular consequence: synonymous variant.
Genome position (GRCh38, 1-based): chr6:44,306,509, T>C on the plus strand (A>G on the coding strand, the complement: AARS2 is on the minus strand). VCF-style: chr6-44306509-T-C. GRCh37 (hg19) VCF-style: chr6-44274246-T-C.
Identifiers: ClinVar variation 516492 (VCV000516492.15), dbSNP rs150184415, ClinGen allele CA3834414.